The following is an entry in ClinVar:

ClinVar aggregate classification (germline): Pathogenic/Likely pathogenic. Review status: criteria provided, multiple submitters, no conflicts (2 of 4 stars). 4 submissions from 4 submitters: Pathogenic (2); Likely pathogenic (2). Last evaluated 2026-09-01.

Conditions:
Deficiency of acetyl-CoA acetyltransferase. Also called: MITOCHONDRIAL ACETOACETYL-CoA THIOLASE DEFICIENCY; Beta-ketothiolase deficiency; 3-KETOTHIOLASE DEFICIENCY; 3-OXOTHIOLASE DEFICIENCY. Identifiers: Orphanet 134, MedGen C1536500, MONDO:0008760, OMIM 203750. Disease mechanism: loss of function.

Submissions (4):

Myriad Genetics, Inc.
Classification: Pathogenic for Deficiency of acetyl-CoA acetyltransferase. Last evaluated: 2026-09-01. Review status: criteria provided, single submitter. Criteria: Myriad Autosomal Dominant, Autosomal Recessive and X-Linked Classification Criteria (2023). Collection method: clinical testing. Allele origin: unknown.
Comment: NM_000019.3(ACAT1):c.806_807delCA(T269Sfs*19) is a frameshift variant classified as pathogenic in the context of beta-ketothiolase deficiency. T269Sfs*19 has not been observed in cases with relevant disease. Relevant functional assessments of this variant are not available in the literature. T269Sfs*19 has been observed in referenced population frequency databases. In summary, NM_000019.3(ACAT1):c.806_807delCA(T269Sfs*19) is a frameshift variant in a gene where loss of function is a known mechanism of disease and is predicted to disrupt protein function. Please note: this variant was assessed in the context of healthy population screening.

Labcorp Genetics (formerly Invitae), Labcorp
Classification: Pathogenic for Deficiency of acetyl-CoA acetyltransferase. Last evaluated: 2026-01-26. Review status: criteria provided, single submitter. Criteria: Invitae Variant Classification Sherloc (09022015). Collection method: clinical testing. Allele origin: germline.
Comment: This sequence change creates a premature translational stop signal (p.Thr269Serfs*19) in the ACAT1 gene. It is expected to result in an absent or disrupted protein product. Loss-of-function variants in ACAT1 are known to be pathogenic (PMID: 7749408). This variant is present in population databases (no rsID available, gnomAD 0.0009%). This variant has not been reported in the literature in individuals affected with ACAT1-related conditions. ClinVar contains an entry for this variant (Variation ID: 1896672). For these reasons, this variant has been classified as Pathogenic.

Natera, Inc.
Classification: Likely pathogenic for Alpha-methylacetoacetic aciduria. Last evaluated: 2025-11-28. Review status: criteria provided, single submitter. Criteria: Natera Variant Classification Schema (03/2026). Collection method: clinical testing. Allele origin: germline.
Comment: The c.806_807delCA variant in ACAT1 is a frameshift variant predicted to shift the reading frame beginning at codon 269 and leads to a stop codon 19 codons downstream. This variant is expected to result in nonsense mediated decay, truncation, or a dysfunctional protein product. This variant is rare in the general population with a frequency below the threshold expected for the associated phenotype(s). Given the available evidence, this variant is classified as Likely Pathogenic.

Institute for Clinical Genetics, University Hospital TU Dresden, University Hospital TU Dresden
Classification: Likely pathogenic. Last evaluated: 2022-08-12. Review status: criteria provided, single submitter. Criteria: ACMG Guidelines, 2015. Collection method: clinical testing. Allele origin: germline.
Comment: PVS1, PM2_SUP

Literature cited by the submitters: PubMed 7749408 (cited by Labcorp Genetics (formerly Invitae), Labcorp).

NM_000019.4(ACAT1):c.806_807del (p.Thr269fs)

Gene: ACAT1 (acetyl-CoA acetyltransferase 1; plus strand). Cytogenetic location: 11q22.3.
Variant type: Deletion.
Coding change: c.806_807del on transcript NM_000019.4 (MANE Select); coding-DNA positions 806 to 807, 2 bases deleted (CA; older notation c.806_807delCA).
Protein change: p.Thr269fs; shifts the reading frame from threonine 269.
Molecular consequence: frameshift variant. On other transcripts: non-coding transcript variant (2).
Genome position (GRCh38, 1-based): chr11:108,141,680-108,141,681, CA deleted; deleting any 2 consecutive bases within chr11:108,141,679-108,141,681 gives the same sequence; the c. name uses the placement nearest the transcript's 3' end. VCF-style (leftmost placement, unchanged base first): chr11-108141678-GAC-G. GRCh37 (hg19) VCF-style: chr11-108012405-GAC-G.
Other names: c.806_807del, p.Thr269fs (NM_001386677.1); c.491_492del, p.Thr164fs (NM_001386678.1); c.509_510del, p.Thr170fs (NM_001386679.1); c.536_537del, p.Thr179fs (NM_001386681.1, NM_001386682.1, NM_001386685.1 and 6 more transcripts); c.806_807delCA (NM_000019.3); short protein forms T164fs, T170fs, T269fs, T179fs.
Identifiers: ClinVar variation 1896672 (VCV001896672.10), dbSNP rs1476922493, ClinGen allele CA601678409.